The following is an entry in ClinVar:

ClinVar aggregate classification (germline): Uncertain significance. Review status: criteria provided, multiple submitters, no conflicts (2 of 4 stars). 2 submissions from 2 submitters: Uncertain significance (2). Last evaluated 2026-01-08.

Allele frequency attached by ClinVar (database versions not stated): gnomAD 0.00001; TOPMed 0.00001.
gnomAD v4.1: 30 of 1,614,062 alleles (0.0019%); highest among the groups gnomAD compares: Non-Finnish European, 0.0024%; no homozygotes.

Submissions (2):

Labcorp Genetics (formerly Invitae), Labcorp
Classification: Uncertain significance. Last evaluated: 2026-01-08. Review status: criteria provided, single submitter. Criteria: Invitae Variant Classification Sherloc (09022015). Collection method: clinical testing. Allele origin: germline.
Comment: This sequence change replaces valine, which is neutral and non-polar, with methionine, which is neutral and non-polar, at codon 252 of the ARSG protein (p.Val252Met). This variant is present in population databases (no rsID available, gnomAD 0.0009%). This variant has not been reported in the literature in individuals affected with ARSG-related conditions. ClinVar contains an entry for this variant (Variation ID: 843925). Invitae Evidence Modeling of protein sequence and biophysical properties (such as structural, functional, and spatial information, amino acid conservation, physicochemical variation, residue mobility, and thermodynamic stability) indicates that this missense variant is expected to disrupt ARSG protein function with a positive predictive value of 80%. In summary, the available evidence is currently insufficient to determine the role of this variant in disease. Therefore, it has been classified as a Variant of Uncertain Significance.

Blueprint Genetics
Classification: Uncertain significance. Last evaluated: 2024-03-01. Review status: criteria provided, single submitter. Criteria: ACMG Guidelines, 2015. Collection method: clinical testing. Allele origin: germline.

NM_001267727.2(ARSG):c.754G>A (p.Val252Met)

Gene: ARSG (arylsulfatase G; plus strand). Cytogenetic location: 17q24.2.
Variant type: single nucleotide variant.
Coding change: c.754G>A on transcript NM_001267727.2 (MANE Select); coding-DNA position 754, G replaced by A.
Protein change: p.Val252Met; replaces valine 252 with methionine.
Molecular consequence: missense variant.
Genome position (GRCh38, 1-based): chr17:68,368,597, G>A. VCF-style: chr17-68368597-G-A. GRCh37 (hg19) VCF-style: chr17-66364738-G-A.
Other names: c.754G>A, p.Val252Met (NM_001352899.2, NM_001352900.2, NM_001352901.2 and 3 more transcripts); c.751G>A, p.Val251Met (NM_001352903.2, NM_001352904.2, NM_001352905.2 and 2 more transcripts); c.706G>A, p.Val236Met (NM_001352909.2); short protein forms V236M, V251M, V252M.
Identifiers: ClinVar variation 843925 (VCV000843925.7), dbSNP rs756266983, ClinGen allele CA293299018.